The following is an entry in ClinVar:

NM_001164508.2(NEB):c.1366-3T>C

Gene: NEB (nebulin; minus strand). Cytogenetic location: 2q23.3.
Variant type: single nucleotide variant.
Coding change: c.1366-3T>C on transcript NM_001164508.2 (MANE Select); 3 bases into the intron before coding-DNA position 1366, T replaced by C.
Molecular consequence: intron variant.
Genome position (GRCh38, 1-based): chr2:151,697,255, A>G on the plus strand (T>C on the coding strand, the complement: NEB is on the minus strand). VCF-style: chr2-151697255-A-G. GRCh37 (hg19) VCF-style: chr2-152553769-A-G.
Other names: c.1366-3T>C (NM_004543.5, NM_001164507.2, NM_001271208.2).
Identifiers: ClinVar variation 2138789 (VCV002138789.2), dbSNP rs754212836, ClinGen allele CA1911580.

ClinVar aggregate classification (germline): Uncertain significance (1 of 4 stars; one submission).

Conditions:
Nemaline myopathy 2 (NEM2). Also called: Nemaline myopathy 2, autosomal recessive. Identifiers: MedGen C1850569, MONDO:0009725, OMIM 256030.

Allele frequency attached by ClinVar (database versions not stated): TOPMed below 0.00001; gnomAD 0.00001; gnomAD exomes 0.00001; ExAC 0.00002.
gnomAD v4.1: 12 of 1,613,480 alleles (0.00074%); highest among the groups gnomAD compares: East Asian, 0.0022%; no homozygotes.

Submission:

Labcorp Genetics (formerly Invitae), Labcorp
Classification: Uncertain significance for Nemaline myopathy 2. Last evaluated: 2023-11-13. Review status: criteria provided, single submitter. Criteria: Invitae Variant Classification Sherloc (09022015). Collection method: clinical testing. Allele origin: germline.
Comment: This sequence change falls in intron 15 of the NEB gene. It does not directly change the encoded amino acid sequence of the NEB protein. It affects a nucleotide within the consensus splice site. This variant is present in population databases (rs754212836, gnomAD 0.006%). This variant has not been reported in the literature in individuals affected with NEB-related conditions. ClinVar contains an entry for this variant (Variation ID: 2138789). Variants that disrupt the consensus splice site are a relatively common cause of aberrant splicing (PMID: 17576681, 9536098). Algorithms developed to predict the effect of sequence changes on RNA splicing suggest that this variant is not likely to affect RNA splicing. In summary, the available evidence is currently insufficient to determine the role of this variant in disease. Therefore, it has been classified as a Variant of Uncertain Significance.

Literature cited by the submitters: PubMed 17576681; PubMed 9536098.